The following is an entry in ClinVar:

NM_020964.3(EPG5):c.4367A>G (p.Tyr1456Cys)

Gene: EPG5 (ectopic P-granules 5 autophagy tethering factor; minus strand). Cytogenetic location: 18q21.1.
Variant type: single nucleotide variant.
Coding change: c.4367A>G on transcript NM_020964.3 (MANE Select); coding-DNA position 4367, A replaced by G.
Protein change: p.Tyr1456Cys; replaces tyrosine 1456 with cysteine.
Molecular consequence: missense variant.
Genome position (GRCh38, 1-based): chr18:45,904,080, T>C on the plus strand (A>G on the coding strand, the complement: EPG5 is on the minus strand). VCF-style: chr18-45904080-T-C. GRCh37 (hg19) VCF-style: chr18-43484045-T-C.
Other names: c.4367A>G (NM_020964.2); short protein forms Y1456C.
Identifiers: ClinVar variation 827978 (VCV000827978.10), dbSNP rs761064074, ClinGen allele CA8948877.

ClinVar aggregate classification (germline): Uncertain significance. Review status: criteria provided, multiple submitters, no conflicts (2 of 4 stars). 4 submissions from 4 submitters: Uncertain significance (4). Last evaluated 2025-11-13.

Conditions:
Inborn genetic diseases. Identifiers: MedGen C0950123, MeSH D030342.
Vici syndrome (VICIS). Identifiers: Orphanet 1493, MedGen C1855772, MONDO:0009452, OMIM 242840.

Allele frequency attached by ClinVar (database versions not stated): gnomAD exomes 0.00001 and 0.00006; ExAC 0.00002; gnomAD 0.00002.
gnomAD v4.1: 22 of 1,612,712 alleles (0.0014%); highest among the groups gnomAD compares: Admixed American, 0.032%; no homozygotes.

Submissions (4):

Ambry Genetics
Classification: Uncertain significance for Inborn genetic diseases. Last evaluated: 2025-11-13. Review status: criteria provided, single submitter. Criteria: Ambry Variant Classification Scheme 2023. Collection method: clinical testing. Allele origin: germline.

Labcorp Genetics (formerly Invitae), Labcorp
Classification: Uncertain significance for Vici syndrome. Last evaluated: 2022-06-25. Review status: criteria provided, single submitter. Criteria: Invitae Variant Classification Sherloc (09022015). Collection method: clinical testing. Allele origin: germline.
Comment: This sequence change replaces tyrosine, which is neutral and polar, with cysteine, which is neutral and slightly polar, at codon 1456 of the EPG5 protein (p.Tyr1456Cys). This variant is present in population databases (rs761064074, gnomAD 0.04%). This variant has not been reported in the literature in individuals affected with EPG5-related conditions. ClinVar contains an entry for this variant (Variation ID: 827978). Algorithms developed to predict the effect of missense changes on protein structure and function (SIFT, PolyPhen-2, Align-GVGD) all suggest that this variant is likely to be tolerated. In summary, the available evidence is currently insufficient to determine the role of this variant in disease. Therefore, it has been classified as a Variant of Uncertain Significance.

Center for Genomics, Ann and Robert H. Lurie Children's Hospital of Chicago
Classification: Uncertain significance for Vici syndrome. Last evaluated: 2021-03-30. Review status: criteria provided, single submitter. Criteria: ACMG Guidelines, 2015. Collection method: clinical testing. Allele origin: germline.
Comment: EPG5 NM_020964.2 exon 25 p.Tyr1456Cys (c.4367A>G): This variant has not been reported in the literature but is present in 0.04% (14/34546) of Latino alleles in the Genome Aggregation Database. Evolutionary conservation and computational predictive tools suggest that this variant may not impact the protein. Therefore, the clinical significance of this variant is uncertain.

Blueprint Genetics
Classification: Uncertain significance. Last evaluated: 2018-12-18. Review status: criteria provided, single submitter. Criteria: ACMG Guidelines, 2015. Collection method: clinical testing. Allele origin: germline.